The following is an entry in ClinVar:

ClinVar aggregate classification (germline): Benign/Likely benign. Review status: criteria provided, multiple submitters, no conflicts (2 of 4 stars). 5 submissions from 5 submitters: Benign (1); Likely benign (1). 3 of the submissions do not count toward it. Last evaluated 2025-09-17.

Conditions:
CAPN5-related disorder. Also called: CAPN5-related condition.

Allele frequency attached by ClinVar (database versions not stated): gnomAD exomes 0.00014; 1000 Genomes Project 30x 0.00016; 1000 Genomes Project 0.00020; ExAC 0.00020; ESP Exome Variant Server 0.00039; gnomAD 0.00047 and 0.00050; TOPMed 0.00055.
gnomAD v4.1: 161 of 1,611,172 alleles (0.01%); highest among the groups gnomAD compares: African/African-American, 0.15%; no homozygotes.

Submissions (5):

Labcorp Genetics (formerly Invitae), Labcorp
Classification: Benign. Last evaluated: 2025-09-17. Review status: criteria provided, single submitter. Criteria: Invitae Variant Classification Sherloc (09022015). Collection method: clinical testing. Allele origin: germline.

Blueprint Genetics
Classification: Likely benign. Last evaluated: 2024-09-19. Review status: criteria provided, single submitter. Criteria: ACMG Guidelines, 2015. Collection method: clinical testing. Allele origin: germline.

PreventionGenetics, part of Exact Sciences
Classification: Likely benign for CAPN5-related condition. Last evaluated: 2019-10-18. Review status: no assertion criteria provided. Collection method: clinical testing. Allele origin: germline. Not counted in ClinVar's aggregate classification.
Comment: This variant is classified as likely benign based on ACMG/AMP sequence variant interpretation guidelines (Richards et al. 2015 PMID: 25741868, with internal and published modifications).

Clinical Genetics DNA and cytogenetics Diagnostics Lab, Erasmus MC, Erasmus Medical Center
Classification: Likely benign. Review status: no assertion criteria provided. Collection method: clinical testing. Allele origin: germline. Affected: yes. Study: VKGL Data-share Consensus. Not counted in ClinVar's aggregate classification.

Clinical Genetics, Academic Medical Center
Classification: Likely benign. Review status: no assertion criteria provided. Collection method: clinical testing. Allele origin: germline. Affected: yes. Study: VKGL Data-share Consensus. Not counted in ClinVar's aggregate classification.

NM_004055.5(CAPN5):c.213C>T (p.His71=)

Gene: CAPN5 (calpain 5; plus strand). Cytogenetic location: 11q13.5.
Variant type: single nucleotide variant.
Coding change: c.213C>T on transcript NM_004055.5 (MANE Select); coding-DNA position 213, C replaced by T.
Protein change: p.His71=; no amino-acid change (histidine 71 retained).
Molecular consequence: synonymous variant.
Genome position (GRCh38, 1-based): chr11:77,093,729, C>T. VCF-style: chr11-77093729-C-T. GRCh37 (hg19) VCF-style: chr11-76804775-C-T.
Other names: c.213C>T (NM_004055.4).
Identifiers: ClinVar variation 1169504 (VCV001169504.14), dbSNP rs149236442, ClinGen allele CA6196201.
Genomic context (GRCh38, chr11:77,093,729, plus strand): 5'-GCCTTCTCCGCAGGGCATCTGCGAGGACCCCCGCCTCTTTGTGGATGGCATCAGCTCCCA[C>T]GACCTGCACCAGGGCCAGGTGGGCAACTGCTGGTTTGTGGCAGCCTGCTCGTCACTTGCC-3'
Protein context (NP_004046.2, residues 61-81): PRLFVDGISS[His71=]DLHQGQVGNC